The following is an entry in ClinVar:

NM_182961.4(SYNE1):c.1632+10C>G

Gene: SYNE1 (spectrin repeat containing nuclear envelope protein 1; minus strand). Cytogenetic location: 6q25.2.
Variant type: single nucleotide variant.
Coding change: c.1632+10C>G on transcript NM_182961.4 (MANE Select); 10 bases into the intron after coding-DNA position 1632, C replaced by G.
Molecular consequence: intron variant.
Genome position (GRCh38, 1-based): chr6:152,471,587, G>C on the plus strand (C>G on the coding strand, the complement: SYNE1 is on the minus strand). VCF-style: chr6-152471587-G-C. GRCh37 (hg19) VCF-style: chr6-152792722-G-C.
Other names: c.1653+10C>G (NM_033071.5).
Identifiers: ClinVar variation 3571631 (VCV003571631.3).

ClinVar aggregate classification (germline): Conflicting classifications of pathogenicity. Review status: criteria provided, conflicting classifications (1 of 4 stars). 3 submissions from 3 submitters: Uncertain significance (1); Likely benign (2). Last evaluated 2025-11-06.

Conditions:
Emery-Dreifuss muscular dystrophy 4, autosomal dominant (EDMD4). Also called: EMERY-DREIFUSS MUSCULAR DYSTROPHY 4 WITH VARIABLE FEATURES. Identifiers: Orphanet 261, MedGen C2751807, MONDO:0013071, OMIM 612998.
Autosomal recessive ataxia, Beauce type. Also called: Spinocerebellar ataxia, autosomal recessive 8; ATAXIA, RECESSIVE, OF BEAUCE; SYNE1-Related Autosomal Recessive Cerebellar Ataxia; SYNE1 Deficiency. Identifiers: Orphanet 88644, MedGen C1853116, MONDO:0012549, OMIM 610743.

gnomAD v4.1: 7 of 1,613,404 alleles (0.00043%); highest among the groups gnomAD compares: Non-Finnish European, 0.00059%; no homozygotes.

Submissions (3):

Labcorp Genetics (formerly Invitae), Labcorp
Classification: Likely benign for Emery-Dreifuss muscular dystrophy 4, autosomal dominant; Autosomal recessive ataxia, Beauce type. Last evaluated: 2025-11-06. Review status: criteria provided, single submitter. Criteria: Invitae Variant Classification Sherloc (09022015). Collection method: clinical testing. Allele origin: germline.

Blueprint Genetics
Classification: Likely benign. Last evaluated: 2024-09-09. Review status: criteria provided, single submitter. Criteria: ACMG Guidelines, 2015. Collection method: clinical testing. Allele origin: germline.

Athena Diagnostics
Classification: Uncertain significance. Last evaluated: 2024-03-26. Review status: criteria provided, single submitter. Criteria: Athena Diagnostics Criteria. Collection method: clinical testing. Allele origin: unknown.
Comment: Available data are insufficient to determine the clinical significance of the variant at this time. This variant has not been reported in large, multi-ethnic general populations. Computational tools yielded predictions that this variant is unlikely to have an effect on normal RNA splicing.